The following is an entry in ClinVar:

NM_019597.5(HNRNPH2):c.635G>C (p.Arg212Thr)

Genes: HNRNPH2 (heterogeneous nuclear ribonucleoprotein H2; plus strand), RPL36A-HNRNPH2 (RPL36A-HNRNPH2 readthrough; plus strand). Cytogenetic location: Xq22.1.
Variant type: single nucleotide variant.
Coding change: c.635G>C on transcript NM_019597.5 (MANE Select); coding-DNA position 635, G replaced by C.
Protein change: p.Arg212Thr; replaces arginine 212 with threonine.
Molecular consequence: missense variant. On other transcripts: 3 prime UTR variant (2).
Genome position (GRCh38, 1-based): chrX:101,412,623, G>C. VCF-style: chrX-101412623-G-C. GRCh37 (hg19) VCF-style: chrX-100667611-G-C.
Other names: c.*631G>C (NM_001199973.2, NM_001199974.2); c.635G>C, p.Arg212Thr (NM_001032393.3); short protein forms R212T.
Identifiers: ClinVar variation 984808 (VCV000984808.4), dbSNP rs1928842837, ClinGen allele CA413942625.

ClinVar aggregate classification (germline): Uncertain significance (1 of 4 stars; one submission).

Conditions:
Intellectual developmental disorder, X-linked, syndromic, Bain type. Also called: HNRNPH2-Related Neurodevelopmental Disorder; Intellectual disability, X-linked, syndromic, Bain type. Identifiers: Orphanet 662198, MedGen C4310814, MONDO:0010512, OMIM 300986.

Submission:

Dasa
Classification: Uncertain significance. Last evaluated: 2025-08-23. Review status: criteria provided, single submitter. Criteria: DASA Assertion Criteria. Collection method: clinical testing. Allele origin: germline.
Comment: NM_019597.5(HNRNPH2):c.635G>C (p.Arg212Thr) is a missense variant that results in the substitution of arginine with threonine. This variant is absent from population databases. The currently available literature and clinical evidence are not sufficient to establish a definitive association between this variant and the reported condition. Therefore, this variant is classified as a variant of uncertain significance.